The following is an entry in ClinVar:

NM_007294.4(BRCA1):c.4968C>T (p.Gly1656=)

Gene: BRCA1 (BRCA1 DNA repair associated; minus strand). Cytogenetic location: 17q21.31.
Variant type: single nucleotide variant.
Coding change: c.4968C>T on transcript NM_007294.4 (MANE Select); coding-DNA position 4968, C replaced by T.
Protein change: p.Gly1656=; no amino-acid change (glycine 1656 retained).
Molecular consequence: synonymous variant. On other transcripts: intron variant (1).
Genome position (GRCh38, 1-based): chr17:43,070,946, G>A on the plus strand (C>T on the coding strand, the complement: BRCA1 is on the minus strand). VCF-style: chr17-43070946-G-A. GRCh37 (hg19) VCF-style: chr17-41222963-G-A.
Other names: c.4755C>T, p.Gly1585= (NM_001407571.1, NM_001407894.1, NM_001407895.1 and 12 more transcripts); c.5034C>T, p.Gly1678= (NM_001407581.1, NM_001407582.1); c.5031C>T, p.Gly1677= (NM_001407583.1, NM_001407585.1, NM_001407587.1 and 1 more transcripts); c.5028C>T, p.Gly1676= (NM_001407590.1, NM_001407591.1); c.4968C>T, p.Gly1656= (NM_001407593.1, NM_001407594.1, NM_001407596.1 and 8 more transcripts); c.4965C>T, p.Gly1655= (NM_001407610.1, NM_001407611.1, NM_001407612.1 and 17 more transcripts); c.4962C>T, p.Gly1654= (NM_001407627.1, NM_001407628.1, NM_001407629.1 and 14 more transcripts); c.4959C>T, p.Gly1653= (NM_001407644.1, NM_001407645.1); and 71 more.
Identifiers: ClinVar variation 868882 (VCV000868882.4), dbSNP rs2052360410, ClinGen allele CA500231549.
Genomic context (GRCh38, chr17:43,070,946, plus strand): 5'-TTAAGTCTTAGTCATTAGGGAGATACATATGGATACACTCACAAATTCTTCTGGGGTCAG[G>A]CCAGACACCACCATGGACATTCTTTTGTTGACCCTTTCTGTTGAAGCTGTCAATTCTGGC-3'
Protein context (NP_009225.1, residues 1646-1666): VNKRMSMVVS[Gly1656=]LTPEEFMLVY

ClinVar aggregate classification (germline): Likely benign (1 of 4 stars; one submission).

Submissions (2):

Blueprint Genetics
Classification: Likely benign. Last evaluated: 2023-06-06. Review status: criteria provided, single submitter. Criteria: ACMG Guidelines, 2015. Collection method: clinical testing. Allele origin: germline.

Brotman Baty Institute, University of Washington
No classification provided (evidence only). Condition: Breast-ovarian cancer, familial 1. Review status: no classification provided. Collection method: in vitro. Allele origin: not applicable. Functional consequence: functionally_normal. Not counted in ClinVar's aggregate classification.
ClinVar note: "not provided" was previously submitted as the classification for the variant. However, the classification appeared to be based only on an observation of functional data so it was converted to no classification on 2025-07-30.